The following is an entry in ClinVar:

ClinVar aggregate classification (germline): Conflicting classifications of pathogenicity. Review status: criteria provided, conflicting classifications (1 of 4 stars). 2 submissions from 2 submitters: Uncertain significance (1); Likely benign (1). Last evaluated 2022-05-10.

Allele frequency attached by ClinVar (database versions not stated): ExAC 0.00007; 1000 Genomes Project 0.00040; 1000 Genomes Project 30x 0.00047.
gnomAD v4.1: 76 of 1,556,838 alleles (0.0049%); highest among the groups gnomAD compares: Admixed American, 0.054%; no homozygotes.

Submissions (2):

Ambry Genetics
Classification: Likely benign. Last evaluated: 2022-05-10. Review status: criteria provided, single submitter. Criteria: Ambry Variant Classification Scheme 2023. Collection method: clinical testing. Allele origin: germline.

Women's Health and Genetics/Laboratory Corporation of America, LabCorp
Classification: Uncertain significance. Last evaluated: 2022-03-08. Review status: criteria provided, single submitter. Criteria: LabCorp Variant Classification Summary - May 2015. Collection method: clinical testing. Allele origin: germline.
Comment: Variant summary: ABCA7 c.6122A>C (p.Glu2041Ala) results in a non-conservative amino acid change in the encoded protein sequence. Four of five in-silico tools predict a benign effect of the variant on protein function. The variant allele was found at a frequency of 6.5e-05 in 152682 control chromosomes. This frequency does not allow conclusions about variant significance. To our knowledge, no occurrence of c.6122A>C in individuals affected with Alzheimer Disease, Type 9 and no experimental evidence demonstrating its impact on protein function have been reported. No clinical diagnostic laboratories have submitted clinical-significance assessments for this variant to ClinVar after 2014. Based on the evidence outlined above, the variant was classified as uncertain significance.

NM_019112.4(ABCA7):c.6122A>C (p.Glu2041Ala)

Gene: ABCA7 (ATP binding cassette subfamily A member 7; plus strand). Cytogenetic location: 19p13.3.
Variant type: single nucleotide variant.
Coding change: c.6122A>C on transcript NM_019112.4 (MANE Select); coding-DNA position 6122, A replaced by C.
Protein change: p.Glu2041Ala; replaces glutamic acid 2041 with alanine.
Molecular consequence: missense variant.
Genome position (GRCh38, 1-based): chr19:1,065,008, A>C. VCF-style: chr19-1065008-A-C. GRCh37 (hg19) VCF-style: chr19-1065007-A-C.
Other names: short protein forms E2041A.
Identifiers: ClinVar variation 1677050 (VCV001677050.4), dbSNP rs574674874, ClinGen allele CA9035112.